The following is an entry in ClinVar:

NM_012330.4(KAT6B):c.1468C>T (p.Pro490Ser)

Gene: KAT6B (lysine acetyltransferase 6B; plus strand). Cytogenetic location: 10q22.2.
Variant type: single nucleotide variant.
Coding change: c.1468C>T on transcript NM_012330.4 (MANE Select); coding-DNA position 1468, C replaced by T.
Protein change: p.Pro490Ser; replaces proline 490 with serine.
Molecular consequence: missense variant. On other transcripts: intron variant (13).
Genome position (GRCh38, 1-based): chr10:74,975,805, C>T. VCF-style: chr10-74975805-C-T. GRCh37 (hg19) VCF-style: chr10-76735563-C-T.
Other names: c.1468C>T, p.Pro490Ser (NM_001370136.1, NM_001370137.1); c.1117+351C>T (NM_001370139.1, NM_001370140.1, NM_001370141.1 and 3 more transcripts); c.1444+24C>T (NM_001370138.1, NM_001256468.2); c.846+6030C>T (NM_001370133.1); c.193-3419C>T (NM_001370134.1); c.929-1511C>T (NM_001370143.1, NM_001370144.1); c.193-13214C>T (NM_001370135.1); short protein forms P490S.
Identifiers: ClinVar variation 1261269 (VCV001261269.37), dbSNP rs141930257, ClinGen allele CA5564411.

ClinVar aggregate classification (germline): Benign/Likely benign. Review status: criteria provided, multiple submitters, no conflicts (2 of 4 stars). 6 submissions from 6 submitters: Benign (1); Likely benign (4). 1 of the submissions does not count toward it. Last evaluated 2026-07-01.

Conditions:
Genitopatellar syndrome (GTPTS). Also called: Genitopatellar syndrome (GPS); ABSENT PATELLAE, SCROTAL HYPOPLASIA, RENAL ANOMALIES, FACIAL DYSMORPHISM, AND MENTAL RETARDATION. Identifiers: Orphanet 85201, MedGen C1853566, MONDO:0011640, OMIM 606170.
KAT6B-related disorder. Also called: KAT6B-related disorders; KAT6B-related condition.

Allele frequency attached by ClinVar (database versions not stated): gnomAD exomes 0.00036 and 0.00081; gnomAD 0.00045 and 0.00046; TOPMed 0.00046; ExAC 0.00054; ESP Exome Variant Server 0.00115.
gnomAD v4.1: 1,261 of 1,614,074 alleles (0.078%); highest among the groups gnomAD compares: Non-Finnish European, 0.098%; 2 homozygotes.

Submissions (6):

CeGaT Center for Human Genetics Tuebingen
Classification: Likely benign. Last evaluated: 2026-07-01. Review status: criteria provided, single submitter. Criteria: CeGaT Center For Human Genetics Tuebingen Variant Classification Criteria Version 2. Collection method: clinical testing. Allele origin: germline. Affected: yes. Observed: 3 variant alleles.
Comment: KAT6B: BP4, BS1

Women's Health and Genetics/Laboratory Corporation of America, LabCorp
Classification: Likely benign. Last evaluated: 2026-02-13. Review status: criteria provided, single submitter. Criteria: LabCorp Variant Classification Summary - May 2015. Collection method: clinical testing. Allele origin: germline.
Comment: Variant summary: KAT6B c.1468C>T (p.Pro490Ser) results in a non-conservative amino acid change in the encoded protein sequence. Algorithms developed to predict the effect of missense changes on protein structure and function are either unavailable or do not agree on the potential impact of this missense change. The variant allele was found at a frequency of 0.00036 in 251406 control chromosomes. To our knowledge, no occurrence of c.1468C>T in individuals affected with KAT6B-related conditions and no experimental evidence demonstrating its impact on protein function have been reported. ClinVar contains an entry for this variant (Variation ID: 1261269). Based on the evidence outlined above, the variant was classified as likely benign.

Labcorp Genetics (formerly Invitae), Labcorp
Classification: Likely benign for Genitopatellar syndrome. Last evaluated: 2026-01-24. Review status: criteria provided, single submitter. Criteria: Invitae Variant Classification Sherloc (09022015). Collection method: clinical testing. Allele origin: germline.

Blueprint Genetics
Classification: Likely benign. Last evaluated: 2024-10-24. Review status: criteria provided, single submitter. Criteria: ACMG Guidelines, 2015. Collection method: clinical testing. Allele origin: germline.

GeneDx
Classification: Benign. Last evaluated: 2019-05-02. Review status: criteria provided, single submitter. Criteria: GeneDx Variant Classification Process June 2021. Collection method: clinical testing. Allele origin: germline. Affected: yes.

PreventionGenetics, part of Exact Sciences
Classification: Likely benign for KAT6B-related condition. Last evaluated: 2021-08-23. Review status: no assertion criteria provided. Collection method: clinical testing. Allele origin: germline. Not counted in ClinVar's aggregate classification.
Comment: This variant is classified as likely benign based on ACMG/AMP sequence variant interpretation guidelines (Richards et al. 2015 PMID: 25741868, with internal and published modifications).